The following is an entry in ClinVar:

NM_001385079.1(PDE10A):c.76G>A (p.Gly26Ser)

Gene: PDE10A (phosphodiesterase 10A; minus strand). Cytogenetic location: 6q27.
Variant type: single nucleotide variant.
Coding change: c.76G>A on transcript NM_001385079.1 (MANE Select); coding-DNA position 76, G replaced by A.
Protein change: p.Gly26Ser; replaces glycine 26 with serine.
Molecular consequence: missense variant.
Genome position (GRCh38, 1-based): chr6:165,662,736, C>T on the plus strand (G>A on the coding strand, the complement: PDE10A is on the minus strand). VCF-style: chr6-165662736-C-T. GRCh37 (hg19) VCF-style: chr6-166076224-C-T.
Other names: short protein forms G26S.
Identifiers: ClinVar variation 4874253 (VCV004874253.2).

ClinVar aggregate classification (germline): Uncertain significance (1 of 4 stars; one submission).

gnomAD v4.1: 14 of 147,728 alleles (0.0095%); highest among the groups gnomAD compares: African/African-American, 0.032%; no homozygotes.

Submission:

CeGaT Center for Human Genetics Tuebingen
Classification: Uncertain significance. Last evaluated: 2026-04-01. Review status: criteria provided, single submitter. Criteria: CeGaT Center For Human Genetics Tuebingen Variant Classification Criteria Version 2. Collection method: clinical testing. Allele origin: germline. Affected: yes. Observed: 1 variant allele.
Comment: PDE10A: PM2, PP2